The following is an entry in ClinVar:

NM_001364171.2(ODAD1):c.597+1G>A

Gene: ODAD1 (outer dynein arm docking complex subunit 1; minus strand). Cytogenetic location: 19q13.33.
Variant type: single nucleotide variant.
Coding change: c.597+1G>A on transcript NM_001364171.2 (MANE Select); the canonical splice donor site of the intron after coding-DNA position 597, G replaced by A.
Molecular consequence: splice donor variant.
Genome position (GRCh38, 1-based): chr19:48,311,552, C>T on the plus strand (G>A on the coding strand, the complement: ODAD1 is on the minus strand). VCF-style: chr19-48311552-C-T. GRCh37 (hg19) VCF-style: chr19-48814809-C-T.
Other names: IVS5DS, G-A, +1; c.486+1G>A (NM_144577.3, NM_144577.4).
Identifiers: ClinVar variation 39638 (VCV000039638.15), dbSNP rs606231238, ClinGen allele CA130416.

ClinVar aggregate classification (germline): Pathogenic/Likely pathogenic. Review status: criteria provided, multiple submitters, no conflicts (2 of 4 stars). 6 submissions from 6 submitters: Pathogenic (3); Likely pathogenic (2). 1 of the submissions does not count toward it. Last evaluated 2025-12-18.

Conditions:
CCDC114-related disorders.
Primary ciliary dyskinesia. Also called: Ciliary dyskinesia. Identifiers: Orphanet 244, MedGen C0008780, MONDO:0016575, HP:0012265.
Primary ciliary dyskinesia 20. Also called: CILIARY DYSKINESIA, PRIMARY, 20, WITH OR WITHOUT SITUS INVERSUS. Identifiers: Orphanet 244, MedGen C3540844, MONDO:0014030, OMIM 615067.

Allele frequency attached by ClinVar (database versions not stated): gnomAD exomes 0.00002; gnomAD 0.00003; TOPMed 0.00003; ExAC 0.00005.
gnomAD v4.1: 46 of 1,538,010 alleles (0.003%); highest among the groups gnomAD compares: Non-Finnish European, 0.0041%; no homozygotes.

Submissions (6):

Labcorp Genetics (formerly Invitae), Labcorp
Classification: Pathogenic for Primary ciliary dyskinesia. Last evaluated: 2025-12-18. Review status: criteria provided, single submitter. Criteria: Invitae Variant Classification Sherloc (09022015). Collection method: clinical testing. Allele origin: germline.
Comment: This sequence change affects a donor splice site in intron 5 of the CCDC114 gene. It is expected to disrupt RNA splicing. Variants that disrupt the donor or acceptor splice site typically lead to a loss of protein function (PMID: 16199547), and loss-of-function variants in CCDC114 are known to be pathogenic (PMID: 23261302, 23261303). This variant is present in population databases (rs606231238, gnomAD 0.007%). Disruption of this splice site has been observed in individual(s) with primary ciliary dyskinesia (PMID: 23261303). ClinVar contains an entry for this variant (Variation ID: 39638). Algorithms developed to predict the effect of sequence changes on RNA splicing suggest that this variant may disrupt the consensus splice site. For these reasons, this variant has been classified as Pathogenic.

GeneDx
Classification: Likely pathogenic. Last evaluated: 2024-03-05. Review status: criteria provided, single submitter. Criteria: GeneDx Variant Classification Process June 2021. Collection method: clinical testing. Allele origin: germline. Affected: yes.
Comment: Canonical splice site variant predicted to result in an in-frame loss of the adjacent exon in a gene for which loss of function is a known mechanism of disease; This variant is associated with the following publications: (PMID: 23261303)

Blueprint Genetics
Classification: Likely pathogenic for CCDC114-related disorders. Last evaluated: 2022-10-05. Review status: criteria provided, single submitter. Criteria: ACMG Guidelines, 2015. Collection method: clinical testing. Allele origin: germline. Affected: yes. Observed: 5 variant alleles.

Revvity Omics, Revvity
Classification: Pathogenic for Primary ciliary dyskinesia 20. Last evaluated: 2020-03-10. Review status: criteria provided, single submitter. Criteria: ACMG Guidelines, 2015. Collection method: clinical testing. Allele origin: germline.

Ambry Genetics
Classification: Pathogenic for Primary ciliary dyskinesia. Last evaluated: 2017-11-16. Review status: criteria provided, single submitter. Criteria: Ambry Variant Classification Scheme 2023. Collection method: clinical testing. Allele origin: germline.
Comment: The c.486+1G>A intronic pathogenic mutation results from a G to A substitution one nucleotide after coding exon 4 of the CCDC114 gene. This alteration has been reported in homozygous state in one individual with primary ciliary dyskinesia, in whom both cilia motility and ultrastructure defects were identified (Onoufriadis A et al. Am. J. Hum. Genet., 2013 Jan;92:88-98). In addition to the clinical data presented in the literature, alterations that disrupt the canonical splice site are expected to cause aberrant splicing, resulting in an abnormal protein or a transcript that is subject to nonsense-mediated mRNA decay. As such, this alteration is classified as a disease-causing mutation.

OMIM
Classification: Pathogenic for CILIARY DYSKINESIA, PRIMARY, 20. Last evaluated: 2013-01-10. Review status: no assertion criteria provided. Collection method: literature only. Allele origin: germline. Not counted in ClinVar's aggregate classification.

Literature cited by the submitters: PubMed 16199547 (cited by Labcorp Genetics (formerly Invitae), Labcorp); PubMed 23261302 (cited by Labcorp Genetics (formerly Invitae), Labcorp); PubMed 23261303 (cited by 3 submitters).